The following is an entry in ClinVar:

ClinVar aggregate classification (germline): Conflicting classifications of pathogenicity. Review status: criteria provided, conflicting classifications (1 of 4 stars). 3 submissions from 2 submitters: Uncertain significance (2); Benign (1). Last evaluated 2026-01-21.

Conditions:
Renal tubular dysgenesis. Also called: Renotubular dysgenesis. Identifiers: Orphanet 3033, MedGen C0266313, MONDO:0017609, HP:0008660.
Familial juvenile hyperuricemic nephropathy type 2 (ADTKD4). Also called: Autosomal Dominant Tubulointerstitial Kidney Disease – REN; EARLY-ONSET HYPERURICEMIA, ANEMIA, AND PROGRESSIVE KIDNEY FAILURE. Identifiers: Orphanet 217330, MedGen C2751310, MONDO:0013128, OMIM 613092.

Allele frequency attached by ClinVar (database versions not stated): gnomAD exomes 0.00008; ExAC 0.00012; gnomAD 0.00028 and 0.00031; TOPMed 0.00036; ESP Exome Variant Server 0.00046.

Submissions (3):

Labcorp Genetics (formerly Invitae), Labcorp
Classification: Uncertain significance. Last evaluated: 2026-01-21. Review status: criteria provided, single submitter. Criteria: Invitae Variant Classification Sherloc (09022015). Collection method: clinical testing. Allele origin: germline.
Comment: This sequence change replaces arginine, which is basic and polar, with tryptophan, which is neutral and slightly polar, at codon 33 of the REN protein (p.Arg33Trp). This variant is present in population databases (rs11571098, gnomAD 0.08%). This variant has not been reported in the literature in individuals affected with REN-related conditions. ClinVar contains an entry for this variant (Variation ID: 873820). An algorithm developed to predict the effect of missense changes on protein structure and function (PolyPhen-2) suggests that this variant is likely to be disruptive. Experimental studies have shown that this missense change affects REN function (PMID: 32750457). In summary, the available evidence is currently insufficient to determine the role of this variant in disease. Therefore, it has been classified as a Variant of Uncertain Significance.

Illumina Laboratory Services, Illumina
Classification: Benign for Familial juvenile hyperuricemic nephropathy type 2. Last evaluated: 2018-01-13. Review status: criteria provided, single submitter. Criteria: ICSL Variant Classification Criteria 13 December 2019. Collection method: clinical testing. Allele origin: germline.
Comment: This variant was observed in the ICSL laboratory as part of a predisposition screen in an ostensibly healthy population. It had not been previously curated by ICSL or reported in the Human Gene Mutation Database (HGMD: prior to June 1st, 2018), and was therefore a candidate for classification through an automated scoring system. Utilizing variant allele frequency, disease prevalence and penetrance estimates, and inheritance mode, an automated score was calculated to assess if this variant is too frequent to cause the disease. Based on the score and internal cut-off values, a variant classified as benign is not then subjected to further curation. The score for this variant resulted in a classification of benign for this disease.

Illumina Laboratory Services, Illumina
Classification: Uncertain significance for Renal tubular dysgenesis of genetic origin. Last evaluated: 2018-01-13. Review status: criteria provided, single submitter. Criteria: ICSL Variant Classification Criteria 13 December 2019. Collection method: clinical testing. Allele origin: germline.

Literature cited by the submitters: PubMed 32750457 (cited by Labcorp Genetics (formerly Invitae), Labcorp).

NM_000537.4(REN):c.97C>T (p.Arg33Trp)

Genes: REN (renin; minus strand), LOC107548112 (REN promoter and enhancer region; plus strand). Cytogenetic location: 1q32.1.
Variant type: single nucleotide variant.
Coding change: c.97C>T on transcript NM_000537.4 (MANE Select); coding-DNA position 97, C replaced by T.
Protein change: p.Arg33Trp; replaces arginine 33 with tryptophan.
Molecular consequence: missense variant.
Genome position (GRCh38, 1-based): chr1:204,166,197, G>A on the plus strand (C>T on the coding strand, the complement: REN is on the minus strand). VCF-style: chr1-204166197-G-A. GRCh37 (hg19) VCF-style: chr1-204135325-G-A.
Other names: short protein forms R33W.
Identifiers: ClinVar variation 873820 (VCV000873820.10), dbSNP rs11571098, ClinGen allele CA1345073.